The following is an entry in ClinVar:

NM_015378.4(VPS13D):c.3172C>G (p.Leu1058Val)

Gene: VPS13D (vacuolar protein sorting 13 homolog D; plus strand). Cytogenetic location: 1p36.22.
Variant type: single nucleotide variant.
Coding change: c.3172C>G on transcript NM_015378.4 (MANE Select); coding-DNA position 3172, C replaced by G.
Protein change: p.Leu1058Val; replaces leucine 1058 with valine.
Molecular consequence: missense variant.
Genome position (GRCh38, 1-based): chr1:12,276,760, C>G. VCF-style: chr1-12276760-C-G. GRCh37 (hg19) VCF-style: chr1-12336817-C-G.
Other names: p.Leu1058Val; c.3172C>G, p.Leu1058Val (NM_018156.4); short protein forms L1058V.
Identifiers: ClinVar variation 711685 (VCV000711685.15), dbSNP rs144898988, ClinGen allele CA601936.
Genomic context (GRCh38, chr1:12,276,760, plus strand): 5'-AGCAGGGCCCAGTCTCCTGTCTCTGGACCGAATGTGGCCCACTTAACTGATGGAGCTACA[C>G]TGAACGACCGATCAGCTACTAGTGTTTCACTTGACAAAATTCTTACCAAAGAGCAAGAGT-3'
Protein context (NP_056193.2, residues 1048-1068): NVAHLTDGAT[Leu1058Val]NDRSATSVSL

ClinVar aggregate classification (germline): Benign/Likely benign. Review status: criteria provided, multiple submitters, no conflicts (2 of 4 stars). 5 submissions from 5 submitters: Benign (3); Likely benign (1). 1 of the submissions does not count toward it. Last evaluated 2026-01-27.

Conditions:
VPS13D-related disorder. Also called: VPS13D-related condition.

Allele frequency attached by ClinVar (database versions not stated): gnomAD exomes 0.00047 and 0.00114; ExAC 0.00129; gnomAD 0.00463 and 0.00497; ESP Exome Variant Server 0.00507; TOPMed 0.00513; 1000 Genomes Project 30x 0.00515; 1000 Genomes Project 0.00519.
gnomAD v4.1: 1,407 of 1,614,190 alleles (0.087%); highest among the groups gnomAD compares: African/African-American, 1.7%; 7 homozygotes.

Submissions (5):

Labcorp Genetics (formerly Invitae), Labcorp
Classification: Benign. Last evaluated: 2026-01-27. Review status: criteria provided, single submitter. Criteria: Invitae Variant Classification Sherloc (09022015). Collection method: clinical testing. Allele origin: germline.

Mayo Clinic Laboratories, Mayo Clinic
Classification: Benign. Last evaluated: 2025-09-23. Review status: criteria provided, single submitter. Criteria: ACMG Guidelines, 2015. Collection method: clinical testing. Allele origin: germline. Observed: 1 variant allele.
Comment: BA1, BP4_moderate

Blueprint Genetics
Classification: Likely benign. Last evaluated: 2024-11-13. Review status: criteria provided, single submitter. Criteria: ACMG Guidelines, 2015. Collection method: clinical testing. Allele origin: germline.

Breakthrough Genomics
Classification: Benign. Review status: criteria provided, single submitter. Criteria: ACMG Guidelines, 2015. Collection method: not provided. Allele origin: germline. Inheritance: Autosomal recessive inheritance. Affected: yes.

PreventionGenetics, part of Exact Sciences
Classification: Benign for VPS13D-related condition. Last evaluated: 2019-02-26. Review status: no assertion criteria provided. Collection method: clinical testing. Allele origin: germline. Not counted in ClinVar's aggregate classification.
Comment: This variant is classified as benign based on ACMG/AMP sequence variant interpretation guidelines (Richards et al. 2015 PMID: 25741868, with internal and published modifications).